The following is an entry in ClinVar:

ClinVar aggregate classification (germline): Uncertain significance (1 of 4 stars; one submission).

Submission:

Quest Diagnostics Nichols Institute San Juan Capistrano
Classification: Uncertain significance. Last evaluated: 2024-01-23. Review status: criteria provided, single submitter. Criteria: Quest Diagnostics criteria. Collection method: clinical testing. Allele origin: unknown.
Comment: The FANCA c.189+5G>C variant has not been reported in individuals with FANCA-related conditions in the published literature. It also has not been reported in large, multi-ethnic general populations (Genome Aggregation Database). Analysis of this variant using software algorithms for the prediction of the effect of nucleotide changes on FANCA mRNA splicing yielded inconclusive findings. Based on the available information, we are unable to determine the clinical significance of this variant.

NM_000135.4(FANCA):c.189+5G>C

Gene: FANCA (FA complementation group A; minus strand). Cytogenetic location: 16q24.3.
Variant type: single nucleotide variant.
Coding change: c.189+5G>C on transcript NM_000135.4 (MANE Select); 5 bases into the intron after coding-DNA position 189, G replaced by C.
Molecular consequence: intron variant.
Genome position (GRCh38, 1-based): chr16:89,815,872, C>G on the plus strand (G>C on the coding strand, the complement: FANCA is on the minus strand). VCF-style: chr16-89815872-C-G. GRCh37 (hg19) VCF-style: chr16-89882280-C-G.
Other names: c.189+5G>C (NM_001286167.3, NM_001351830.2, NM_001018112.3).
Identifiers: ClinVar variation 3572412 (VCV003572412.1).